The following is an entry in ClinVar:

ClinVar aggregate classification (germline): Conflicting classifications of pathogenicity. Review status: criteria provided, conflicting classifications (1 of 4 stars). 2 submissions from 2 submitters: Uncertain significance (1); Likely benign (1). Last evaluated 2025-11-04.

Conditions:
Diamond-Blackfan anemia 10 (DBA10). Also called: RPS26-Related Diamond-Blackfan Anemia. Identifiers: Orphanet 124, MedGen C2750080, MONDO:0013217, OMIM 613309.

Allele frequency attached by ClinVar (database versions not stated): gnomAD exomes 0.00001 and 0.00003; ExAC 0.00003; TOPMed 0.00003; gnomAD 0.00004 and 0.00005; 1000 Genomes Project 0.00020; 1000 Genomes Project 30x 0.00031.
gnomAD v4.1: 26 of 1,597,976 alleles (0.0016%); highest among the groups gnomAD compares: East Asian, 0.045%; no homozygotes.

Submissions (2):

Labcorp Genetics (formerly Invitae), Labcorp
Classification: Uncertain significance for Diamond-Blackfan anemia 10. Last evaluated: 2025-11-04. Review status: criteria provided, single submitter. Criteria: Invitae Variant Classification Sherloc (09022015). Collection method: clinical testing. Allele origin: germline.
Comment: This sequence change falls in intron 2 of the RPS26 gene. It does not directly change the encoded amino acid sequence of the RPS26 protein. It affects a nucleotide within the consensus splice site. This variant is present in population databases (rs201848035, gnomAD 0.06%). This variant has not been reported in the literature in individuals affected with RPS26-related conditions. ClinVar contains an entry for this variant (Variation ID: 1444064). Variants that disrupt the consensus splice site are a relatively common cause of aberrant splicing (PMID: 17576681, 9536098). Algorithms developed to predict the effect of sequence changes on RNA splicing suggest that this variant is not likely to affect RNA splicing. In summary, the available evidence is currently insufficient to determine the role of this variant in disease. Therefore, it has been classified as a Variant of Uncertain Significance.

Blueprint Genetics
Classification: Likely benign. Last evaluated: 2024-09-21. Review status: criteria provided, single submitter. Criteria: ACMG Guidelines, 2015. Collection method: clinical testing. Allele origin: germline.

Literature cited by the submitters: PubMed 17576681 (cited by Labcorp Genetics (formerly Invitae), Labcorp); PubMed 9536098 (cited by Labcorp Genetics (formerly Invitae), Labcorp).

NM_001029.5(RPS26):c.181+6T>G

Gene: RPS26 (ribosomal protein S26; plus strand). Cytogenetic location: 12q13.2.
Variant type: single nucleotide variant.
Coding change: c.181+6T>G on transcript NM_001029.5 (MANE Select); 6 bases into the intron after coding-DNA position 181, T replaced by G.
Molecular consequence: intron variant.
Genome position (GRCh38, 1-based): chr12:56,042,608, T>G. VCF-style: chr12-56042608-T-G. GRCh37 (hg19) VCF-style: chr12-56436392-T-G.
Identifiers: ClinVar variation 1444064 (VCV001444064.7), dbSNP rs201848035, ClinGen allele CA6621715.